The following is an entry in ClinVar:

ClinVar aggregate classification (germline): Uncertain significance (1 of 4 stars; one submission).

Conditions:
Ataxia-telangiectasia syndrome (AT). Also called: Ataxia-telangiectasia, complementation group D; AT, COMPLEMENTATION GROUP C; ATAXIA-TELANGIECTASIA, COMPLEMENTATION GROUP A; ATAXIA-TELANGIECTASIA, FRESNO VARIANT; Ataxia-telangiectasia; Ataxia-telangiectasia, complementation group E. Identifiers: Orphanet 100, MedGen C0004135, MONDO:0008840, OMIM 208900.

Submission:

Labcorp Genetics (formerly Invitae), Labcorp
Classification: Uncertain significance for Ataxia-telangiectasia syndrome. Last evaluated: 2024-04-09. Review status: criteria provided, single submitter. Criteria: Invitae Variant Classification Sherloc (09022015). Collection method: clinical testing. Allele origin: germline.
Comment: This sequence change replaces threonine, which is neutral and polar, with alanine, which is neutral and non-polar, at codon 2228 of the ATM protein (p.Thr2228Ala). This variant is not present in population databases (gnomAD no frequency). This variant has not been reported in the literature in individuals affected with ATM-related conditions. An algorithm developed to predict the effect of missense changes on protein structure and function (PolyPhen-2) suggests that this variant is likely to be tolerated. In summary, the available evidence is currently insufficient to determine the role of this variant in disease. Therefore, it has been classified as a Variant of Uncertain Significance.

NM_000051.4(ATM):c.6682A>G (p.Thr2228Ala)

Genes: ATM (ATM serine/threonine kinase; plus strand), C11orf65 (chromosome 11 open reading frame 65; minus strand). Cytogenetic location: 11q22.3.
Variant type: single nucleotide variant.
Coding change: c.6682A>G on transcript NM_000051.4 (MANE Select); coding-DNA position 6682, A replaced by G.
Protein change: p.Thr2228Ala; replaces threonine 2228 with alanine.
Molecular consequence: missense variant. On other transcripts: intron variant (2).
Genome position (GRCh38, 1-based): chr11:108,325,419, A>G. VCF-style: chr11-108325419-A-G. GRCh37 (hg19) VCF-style: chr11-108196146-A-G.
Other names: c.6682A>G, p.Thr2228Ala (NM_001351834.2); c.641-16348T>C (NM_001330368.2); c.*38+9801T>C (NM_001351110.2); short protein forms T2228A.
Identifiers: ClinVar variation 3712024 (VCV003712024.2).